The following is an entry in ClinVar:

ClinVar aggregate classification (germline): Uncertain significance. Review status: criteria provided, multiple submitters, no conflicts (2 of 4 stars). 2 submissions from 2 submitters: Uncertain significance (2). Last evaluated 2025-12-10.

Conditions:
Retinoblastoma (RB1). Also called: RETINOBLASTOMA, SOMATIC. Identifiers: Orphanet 790, MedGen C0035335, MeSH D012175, MONDO:0008380, OMIM 180200, HP:0009919. Disease mechanism: loss of function. Inheritance: Both sporadic and heritable forms are tested..

Submissions (2):

Labcorp Genetics (formerly Invitae), Labcorp
Classification: Uncertain significance for Retinoblastoma. Last evaluated: 2025-12-10. Review status: criteria provided, single submitter. Criteria: Invitae Variant Classification Sherloc (09022015). Collection method: clinical testing. Allele origin: germline.
Comment: This variant occurs in a non-coding region of the RB1 gene. It does not change the encoded amino acid sequence of the RB1 protein. This variant is not present in population databases (gnomAD no frequency). This variant has not been reported in the literature in individuals affected with RB1-related conditions. Experimental studies and prediction algorithms are not available or were not evaluated, and the functional significance of this variant is currently unknown. In summary, the available evidence is currently insufficient to determine the role of this variant in disease. Therefore, it has been classified as a Variant of Uncertain Significance.

Color Diagnostics, LLC DBA Color Health
Classification: Uncertain significance for Retinoblastoma. Last evaluated: 2025-09-12. Review status: criteria provided, single submitter. Criteria: ACMG Guidelines, 2015. Collection method: clinical testing. Allele origin: germline.
Comment: This variant is located in the 5' regulatory region of the RB1 gene. To our knowledge, gene expression studies have not been reported for this variant. This variant has not been reported in individuals affected with RB1-related disorders in the literature. This variant has not been identified in the general population by the Genome Aggregation Database (gnomAD). The available evidence is insufficient to determine the role of this variant in disease conclusively. Therefore, this variant is classified as a Variant of Uncertain Significance.

NC_000013.11:g.48303702T>C

Genes: RB1 (RB transcriptional corepressor 1; plus strand), RB1-DT (RB1 divergent transcript; minus strand). Cytogenetic location: 13q14.2.
Variant type: single nucleotide variant.
Molecular consequence: non-coding transcript variant (on NR_046414.2).
Genome position: GRCh38 VCF-style: chr13-48303702-T-C. GRCh37 (hg19) VCF-style: chr13-48877838-T-C.
Identifiers: ClinVar variation 3715735 (VCV003715735.3).